The following is an entry in ClinVar:

ClinVar aggregate classification (germline): Likely pathogenic (1 of 4 stars; one submission).

Conditions:
Hypertrophic cardiomyopathy. Also called: HYPERTROPHIC MYOCARDIOPATHY. Identifiers: Orphanet 217569, MedGen C0007194, MeSH D002312, MONDO:0005045, HP:0001639.

Submission:

Clinical Genetics Laboratory, Skane University Hospital Lund
Classification: Likely pathogenic for Hypertrophic cardiomyopathy. Last evaluated: 2026-05-05. Review status: criteria provided, single submitter. Criteria: ACMG Guidelines, 2015. Collection method: clinical testing. Allele origin: germline. Affected: yes.
Comment: ACMG criteria used: PS1, PM2_Supp, PP3

NM_000256.3(MYBPC3):c.821+5G>T

Gene: MYBPC3 (myosin binding protein C3; minus strand). Cytogenetic location: 11p11.2.
Variant type: single nucleotide variant.
Coding change: c.821+5G>T on transcript NM_000256.3 (MANE Select); 5 bases into the intron after coding-DNA position 821, G replaced by T.
Molecular consequence: intron variant.
Genome position (GRCh38, 1-based): chr11:47,347,852, C>A on the plus strand (G>T on the coding strand, the complement: MYBPC3 is on the minus strand). VCF-style: chr11-47347852-C-A. GRCh37 (hg19) VCF-style: chr11-47369403-C-A.
Identifiers: ClinVar variation 4849595 (VCV004849595.1).